The following is an entry in ClinVar:

ClinVar aggregate classification (germline): Uncertain significance. Review status: criteria provided, multiple submitters, no conflicts (2 of 4 stars). 2 submissions from 2 submitters: Uncertain significance (2). Last evaluated 2026-04-24.

Conditions:
Mucopolysaccharidosis, MPS-II (MPS2). Also called: IDS deficiency; Sulfoiduronate sulfatase deficiency; SIDS deficiency; Mucopolysaccharidosis with skin involvement; Attenuated MPS (subtype; formerly known as mild MPS II); Severe MPS II. Identifiers: Orphanet 580, Orphanet 79388, MedGen C0026705, MONDO:0010674, OMIM 309900.

Submissions (2):

Women's Health and Genetics/Laboratory Corporation of America, LabCorp
Classification: Uncertain significance. Last evaluated: 2026-04-24. Review status: criteria provided, single submitter. Criteria: LabCorp Variant Classification Summary - May 2015. Collection method: clinical testing. Allele origin: germline.
Comment: Variant summary: IDS c.1295G>T (p.Cys432Phe) results in a non-conservative amino acid change in the encoded protein sequence. Algorithms developed to predict the effect of missense changes on protein structure and function all suggest that this variant is likely to be disruptive. The variant was absent in 181991 control chromosomes. The available data on variant occurrences in the general population are insufficient to allow any conclusion about variant significance. To our knowledge, no occurrence of c.1295G>T in individuals affected with IDS-related conditions and no experimental evidence demonstrating its impact on protein function have been reported. A different variant affecting the same codon has been classified as likely pathogenic/pathogenic by our lab (c.1295G>A, p.Cys432Tyr), supporting the critical relevance of codon 432 to IDS protein function. ClinVar contains an entry for this variant (Variation ID: 2809961). Based on the evidence outlined above, the variant was classified as uncertain significance.

Labcorp Genetics (formerly Invitae), Labcorp
Classification: Uncertain significance for Mucopolysaccharidosis, MPS-II. Last evaluated: 2022-11-17. Review status: criteria provided, single submitter. Criteria: Invitae Variant Classification Sherloc (09022015). Collection method: clinical testing. Allele origin: germline.
Comment: This sequence change replaces cysteine, which is neutral and slightly polar, with phenylalanine, which is neutral and non-polar, at codon 432 of the IDS protein (p.Cys432Phe). In summary, the available evidence is currently insufficient to determine the role of this variant in disease. Therefore, it has been classified as a Variant of Uncertain Significance. This variant disrupts the p.Cys432 amino acid residue in IDS. Other variant(s) that disrupt this residue have been observed in individuals with IDS-related conditions (PMID: 16495038, 33676511), which suggests that this may be a clinically significant amino acid residue. Advanced modeling of protein sequence and biophysical properties (such as structural, functional, and spatial information, amino acid conservation, physicochemical variation, residue mobility, and thermodynamic stability) has been performed at Invitae for this missense variant, however the output from this modeling did not meet the statistical confidence thresholds required to predict the impact of this variant on IDS protein function. This variant has not been reported in the literature in individuals affected with IDS-related conditions. This variant is not present in population databases (gnomAD no frequency).

Literature cited by the submitters: PubMed 16495038 (cited by Labcorp Genetics (formerly Invitae), Labcorp); PubMed 33676511 (cited by Labcorp Genetics (formerly Invitae), Labcorp).

NM_000202.8(IDS):c.1295G>T (p.Cys432Phe)

Gene: IDS (iduronate 2-sulfatase; minus strand). Cytogenetic location: Xq28.
Variant type: single nucleotide variant.
Coding change: c.1295G>T on transcript NM_000202.8 (MANE Select); coding-DNA position 1295, G replaced by T.
Protein change: p.Cys432Phe; replaces cysteine 432 with phenylalanine.
Molecular consequence: missense variant.
Genome position (GRCh38, 1-based): chrX:149,483,104, C>A on the plus strand (G>T on the coding strand, the complement: IDS is on the minus strand). VCF-style: chrX-149483104-C-A. GRCh37 (hg19) VCF-style: chrX-148564635-C-A.
Other names: c.1025G>T, p.Cys342Phe (NM_001166550.4); short protein forms C432F, C342F.
Identifiers: ClinVar variation 2809961 (VCV002809961.4), dbSNP rs2520757280, ClinGen allele CA414518402.